The following is an entry in ClinVar:

ClinVar aggregate classification (germline): Uncertain significance (1 of 4 stars; one submission).

gnomAD v4.1: 1 of 1,608,388 alleles (0.000062%); highest among the groups gnomAD compares: Non-Finnish European, 0.000085%; no homozygotes.

Submission:

GeneDx
Classification: Uncertain significance. Last evaluated: 2021-05-04. Review status: criteria provided, single submitter. Criteria: GeneDx Variant Classification Process June 2021. Collection method: clinical testing. Allele origin: germline. Affected: yes.
Comment: Not observed in large population cohorts (Lek et al., 2016); In silico analysis supports that this missense variant has a deleterious effect on protein structure/function; Has not been previously published as pathogenic or benign to our knowledge

NM_014991.6(WDFY3):c.7900G>A (p.Gly2634Arg)

Gene: WDFY3 (WD repeat and FYVE domain containing 3; minus strand). Cytogenetic location: 4q21.23.
Variant type: single nucleotide variant.
Coding change: c.7900G>A on transcript NM_014991.6 (MANE Select); coding-DNA position 7900, G replaced by A.
Protein change: p.Gly2634Arg; replaces glycine 2634 with arginine.
Molecular consequence: missense variant.
Genome position (GRCh38, 1-based): chr4:84,715,359, C>T on the plus strand (G>A on the coding strand, the complement: WDFY3 is on the minus strand). VCF-style: chr4-84715359-C-T. GRCh37 (hg19) VCF-style: chr4-85636512-C-T.
Other names: short protein forms G2634R.
Identifiers: ClinVar variation 1320670 (VCV001320670.2), dbSNP rs2149037826, ClinGen allele CA357541244.
Genomic context (GRCh38, chr4:84,715,359, plus strand): 5'-TTTGATAGACTTTGTTTCTGATTCCTTTCTGAAAAGCAAGGAGGTAATTCCGTCCATCTC[C>T]AGAGAAAACTTCCACAGCAATAGGCTGAAATGATCAGAGAGAAAAACATTAAGAAAAAAC-3'
Protein context (NP_055806.2, residues 2624-2644): LQPIAVEVFS[Gly2634Arg]DGRNYLLAFQ